The following is an entry in ClinVar:

ClinVar aggregate classification (germline): Conflicting classifications of pathogenicity. Review status: criteria provided, conflicting classifications (1 of 4 stars). 12 submissions from 12 submitters: Uncertain significance (2); Benign (1); Likely benign (9). Last evaluated 2026-01-26.

Conditions:
Hereditary cancer-predisposing syndrome. Also called: Hereditary Cancer Syndrome; Neoplastic Syndromes, Hereditary; Tumor predisposition; Hereditary neoplastic syndrome. Identifiers: Orphanet 140162, MedGen C0027672, MeSH D009386, MONDO:0015356.
Breast and/or ovarian cancer. Identifiers: MedGen CN221562.
Breast-ovarian cancer, familial, susceptibility to, 2 (BROVCA2). Also called: BRCA2 Hereditary Breast and Ovarian Cancer. Identifiers: Orphanet 145, MedGen C2675520, MONDO:0012933, OMIM 612555. Disease mechanism: loss of function.
Hereditary breast ovarian cancer syndrome. Also called: Hereditary breast and/or ovarian cancer syndrome; BRCA1- and BRCA2-Associated Hereditary Breast and Ovarian Cancer; Hereditary breast and ovarian cancer syndrome (HBOC); Hereditary breast and ovarian cancer; Hereditary breast and ovarian cancer syndrome; Breast and ovarian cancer. Identifiers: Orphanet 145, MedGen C0677776, MeSH D061325, MONDO:0003582. Disease mechanism: loss of function.

Allele frequency attached by ClinVar (database versions not stated): gnomAD below 0.00001 and 0.00005; gnomAD exomes 0.00003 and 0.00010; ExAC 0.00012; 1000 Genomes Project 30x 0.00109; 1000 Genomes Project 0.00120.
gnomAD v4.1: 52 of 1,614,092 alleles (0.0032%); highest among the groups gnomAD compares: South Asian, 0.052%; 3 homozygotes.

Submissions (12):

Labcorp Genetics (formerly Invitae), Labcorp
Classification: Likely benign for Hereditary breast ovarian cancer syndrome. Last evaluated: 2026-01-26. Review status: criteria provided, single submitter. Criteria: Invitae Variant Classification Sherloc (09022015). Collection method: clinical testing. Allele origin: germline.

Center for Genomic Medicine, Rigshospitalet, Copenhagen University Hospital
Classification: Likely benign. Last evaluated: 2025-03-04. Review status: criteria provided, single submitter. Criteria: ACMG Guidelines, 2015. Collection method: clinical testing. Allele origin: germline.

All of Us Research Program, National Institutes of Health
Classification: Likely benign for Breast-ovarian cancer, familial, susceptibility to, 2. Last evaluated: 2023-11-30. Review status: criteria provided, single submitter. Criteria: ACMG Guidelines, 2015. Collection method: clinical testing. Allele origin: germline. Inheritance: Autosomal dominant inheritance. Observed: 5 variant alleles, 5 heterozygotes.
Comment: This study involves interpretation of variants in research participants for the purpose of population health screening. Participant phenotype was not available at the time of variant classification. Additional details can be found in publication PMID: 35346344, PMCID: PMC8962531

National Health Laboratory Service, Universitas Academic Hospital and University of the Free State
Classification: Likely benign for Hereditary breast ovarian cancer syndrome. Last evaluated: 2022-04-19. Review status: criteria provided, single submitter. Criteria: ACMG Guidelines, 2015. Collection method: clinical testing. Allele origin: germline. Affected: yes. Observed: 3 variant alleles.

CHEO Genetics Diagnostic Laboratory, Children's Hospital of Eastern Ontario
Classification: Likely benign for Breast and/or ovarian cancer. Last evaluated: 2021-09-24. Review status: criteria provided, single submitter. Criteria: ACMG Guidelines, 2015. Collection method: clinical testing. Allele origin: germline.

Sema4
Classification: Likely benign for Hereditary cancer-predisposing syndrome. Last evaluated: 2021-09-16. Review status: criteria provided, single submitter. Criteria: Sema4 Curation Guidelines. Collection method: curation. Allele origin: germline.

Ambry Genetics
Classification: Likely benign for Hereditary cancer-predisposing syndrome. Last evaluated: 2019-12-20. Review status: criteria provided, single submitter. Criteria: Ambry Variant Classification Scheme 2023. Collection method: clinical testing. Allele origin: germline.

Color Diagnostics, LLC DBA Color Health
Classification: Likely benign for Hereditary cancer-predisposing syndrome. Last evaluated: 2016-12-12. Review status: criteria provided, single submitter. Criteria: ACMG Guidelines, 2015. Collection method: clinical testing. Allele origin: germline.

Genetic Services Laboratory, University of Chicago
Classification: Uncertain significance. Last evaluated: 2016-06-15. Review status: criteria provided, single submitter. Criteria: ACMG Guidelines, 2015. Collection method: clinical testing. Allele origin: germline. Affected: no.

Women's Health and Genetics/Laboratory Corporation of America, LabCorp
Classification: Likely benign. Last evaluated: 2016-05-20. Review status: criteria provided, single submitter. Criteria: LabCorp Variant Classification Summary - May 2015. Collection method: clinical testing. Allele origin: germline.
Comment: Variant summary: c.8488-5T>C in BRCA2 gene is an intronic change that involves a non-conserved nucleotide. 5/5 programs in Alamut predict this variant to not affect splicing, however no functional studies supporting this notion were published at the time of evaluation. The variant is present in the control population dataset of ExAC at frequency of 0.0009 (15/121222 chrs tested) exclusively in individuals of South Asian descent, including 1 homozygous occurrence. The variant has not, to our knowledge, been reported in affected individuals via publications or reputable databases/clinical laboratories. Taken together the variant was classified as Likely benign until additional information becomes available.

GeneDx
Classification: Benign. Last evaluated: 2015-03-03. Review status: criteria provided, single submitter. Criteria: GeneDx Variant Classification Process June 2021. Collection method: clinical testing. Allele origin: germline. Affected: yes.

Molecular Endocrinology Laboratory, Christian Medical College
Classification: Uncertain significance for Breast-ovarian cancer, familial, susceptibility to, 2. Review status: criteria provided, single submitter. Criteria: ACMG Guidelines, 2015. Collection method: clinical testing. Allele origin: germline. Affected: yes.

Literature cited by the submitters: DOI 10.3389/fgene.2022.834265 (cited by National Health Laboratory Service, Universitas Academic Hospital and University of the Free State); PubMed 27273131 (cited by Ambry Genetics).

NM_000059.4(BRCA2):c.8488-5T>C

Gene: BRCA2 (BRCA2 DNA repair associated; plus strand). Cytogenetic location: 13q13.1.
Variant type: single nucleotide variant.
Coding change: c.8488-5T>C on transcript NM_000059.4 (MANE Select); 5 bases into the intron before coding-DNA position 8488, T replaced by C.
Molecular consequence: intron variant.
Genome position (GRCh38, 1-based): chr13:32,370,951, T>C. VCF-style: chr13-32370951-T-C. GRCh37 (hg19) VCF-style: chr13-32945088-T-C.
Identifiers: ClinVar variation 231213 (VCV000231213.43), dbSNP rs533806629, ClinGen allele CA6941250.